The following is an entry in ClinVar:

ClinVar aggregate classification (germline): Uncertain significance (1 of 4 stars; one submission).

Conditions:
Neuropathy, hereditary sensory and autonomic, type 2A (HSAN2A). Also called: HSAN IIA; ACROOSTEOLYSIS, GIACCAI TYPE; ACROOSTEOLYSIS, NEUROGENIC; MORVAN DISEASE; NEUROPATHY, CONGENITAL SENSORY; NEUROPATHY, HEREDITARY SENSORY RADICULAR, AUTOSOMAL RECESSIVE. Identifiers: Orphanet 970, MedGen C2752089, MONDO:0024309, OMIM 201300.
Generalized epilepsy with febrile seizures plus, type 7 (GEFSP7). Also called: GEFS+, TYPE 7. Identifiers: Orphanet 36387, MedGen C2751778, MONDO:0013470, OMIM 613863.

Submission:

Labcorp Genetics (formerly Invitae), Labcorp
Classification: Uncertain significance for Neuropathy, hereditary sensory and autonomic, type 2A; Generalized epilepsy with febrile seizures plus, type 7. Last evaluated: 2022-08-23. Review status: criteria provided, single submitter. Criteria: Invitae Variant Classification Sherloc (09022015). Collection method: clinical testing. Allele origin: germline.
Comment: In summary, the available evidence is currently insufficient to determine the role of this variant in disease. Therefore, it has been classified as a Variant of Uncertain Significance. Algorithms developed to predict the effect of missense changes on protein structure and function (SIFT, PolyPhen-2, Align-GVGD) all suggest that this variant is likely to be disruptive. ClinVar contains an entry for this variant (Variation ID: 1052732). This variant has not been reported in the literature in individuals affected with SCN9A-related conditions. This variant is not present in population databases (gnomAD no frequency). This sequence change replaces isoleucine, which is neutral and non-polar, with arginine, which is basic and polar, at codon 1748 of the SCN9A protein (p.Ile1748Arg).

NM_001365536.1(SCN9A):c.5276T>G (p.Ile1759Arg)

Genes: SCN9A (sodium voltage-gated channel alpha subunit 9; minus strand), SCN1A-AS1 (SCN1A and SCN9A antisense RNA 1; plus strand). Cytogenetic location: 2q24.3.
Variant type: single nucleotide variant.
Coding change: c.5276T>G on transcript NM_001365536.1 (MANE Select); coding-DNA position 5276, T replaced by G.
Protein change: p.Ile1759Arg; replaces isoleucine 1759 with arginine.
Molecular consequence: missense variant.
Genome position (GRCh38, 1-based): chr2:166,199,363, A>C on the plus strand (T>G on the coding strand, the complement: SCN9A is on the minus strand). VCF-style: chr2-166199363-A-C. GRCh37 (hg19) VCF-style: chr2-167055873-A-C.
Other names: c.5243T>G, p.Ile1748Arg (NM_002977.4); short protein forms I1748R, I1759R.
Identifiers: ClinVar variation 1052732 (VCV001052732.9), dbSNP rs2106337215, ClinGen allele CA349053797.